The following is an entry in ClinVar:

NM_001369268.1(ACAN):c.2108C>T (p.Thr703Ile)

Gene: ACAN (aggrecan; plus strand). Cytogenetic location: 15q26.1.
Variant type: single nucleotide variant.
Coding change: c.2108C>T on transcript NM_001369268.1 (MANE Select); coding-DNA position 2108, C replaced by T.
Protein change: p.Thr703Ile; replaces threonine 703 with isoleucine.
Molecular consequence: missense variant.
Genome position (GRCh38, 1-based): chr15:88,851,875, C>T. VCF-style: chr15-88851875-C-T. GRCh37 (hg19) VCF-style: chr15-89395106-C-T.
Other names: c.2108C>T, p.Thr703Ile (NM_001135.4, NM_001411096.1, NM_001411097.1 and 1 more transcripts); short protein forms T703I.
Identifiers: ClinVar variation 3023883 (VCV003023883.3), dbSNP rs2505295110, ClinGen allele CA393713933.
Genomic context (GRCh38, chr15:88,851,875, plus strand): 5'-CAGGAGAAGAAGAGGGTGGCACACCCACATCACCCTCTGGTGTGGAGGAGTGGATCGTGA[C>T]CCAAGTGGTTCCTGGTGTGGCTGCTGTCCCCGTAGAAGAGGAGACAACTGCTGTACCCTC-3'
Protein context (NP_001356197.1, residues 693-713): SPSGVEEWIV[Thr703Ile]QVVPGVAAVP

ClinVar aggregate classification (germline): Uncertain significance (1 of 4 stars; one submission).

Submission:

Labcorp Genetics (formerly Invitae), Labcorp
Classification: Uncertain significance. Last evaluated: 2023-01-20. Review status: criteria provided, single submitter. Criteria: Invitae Variant Classification Sherloc (09022015). Collection method: clinical testing. Allele origin: germline.
Comment: In summary, the available evidence is currently insufficient to determine the role of this variant in disease. Therefore, it has been classified as a Variant of Uncertain Significance. Advanced modeling of protein sequence and biophysical properties (such as structural, functional, and spatial information, amino acid conservation, physicochemical variation, residue mobility, and thermodynamic stability) performed at Invitae indicates that this missense variant is not expected to disrupt ACAN protein function. This variant has not been reported in the literature in individuals affected with ACAN-related conditions. This variant is not present in population databases (gnomAD no frequency). This sequence change replaces threonine, which is neutral and polar, with isoleucine, which is neutral and non-polar, at codon 703 of the ACAN protein (p.Thr703Ile).